The following is an entry in ClinVar:

ClinVar aggregate classification (germline): Uncertain significance (1 of 4 stars; one submission).

gnomAD v4.1: 29 of 1,612,208 alleles (0.0018%); highest among the groups gnomAD compares: South Asian, 0.0055%; no homozygotes.

Submission:

GeneDx
Classification: Uncertain significance. Last evaluated: 2025-03-21. Review status: criteria provided, single submitter. Criteria: GeneDx Variant Classification Process June 2021. Collection method: clinical testing. Allele origin: germline. Affected: yes.
Comment: Not observed at significant frequency in large population cohorts (gnomAD); In silico analysis supports that this missense variant has a deleterious effect on protein structure/function; Has not been previously published as pathogenic or benign to our knowledge

NM_194248.3(OTOF):c.2167C>T (p.Arg723Cys)

Gene: OTOF (otoferlin; minus strand). Cytogenetic location: 2p23.3.
Variant type: single nucleotide variant.
Coding change: c.2167C>T on transcript NM_194248.3 (MANE Select); coding-DNA position 2167, C replaced by T.
Protein change: p.Arg723Cys; replaces arginine 723 with cysteine.
Molecular consequence: missense variant.
Genome position (GRCh38, 1-based): chr2:26,479,311, G>A on the plus strand (C>T on the coding strand, the complement: OTOF is on the minus strand). VCF-style: chr2-26479311-G-A. GRCh37 (hg19) VCF-style: chr2-26702179-G-A.
Other names: c.2167C>T, p.Arg723Cys (NM_001287489.2); short protein forms R723C.
Identifiers: ClinVar variation 4086504 (VCV004086504.1).